The following is an entry in ClinVar:

NM_001348484.3(RIMS2):c.4260C>T (p.Phe1420=)

Gene: RIMS2 (regulating synaptic membrane exocytosis 2; plus strand). Cytogenetic location: 8q22.3.
Variant type: single nucleotide variant.
Coding change: c.4260C>T on transcript NM_001348484.3 (MANE Select); coding-DNA position 4260, C replaced by T.
Protein change: p.Phe1420=; no amino-acid change (phenylalanine 1420 retained).
Molecular consequence: synonymous variant. On other transcripts: non-coding transcript variant (2).
Genome position (GRCh38, 1-based): chr8:104,248,710, C>T. VCF-style: chr8-104248710-C-T. GRCh37 (hg19) VCF-style: chr8-105260938-C-T.
Other names: c.3264C>T, p.Phe1088= (NM_001348501.2); c.2682C>T, p.Phe894= (NM_001348502.2); c.3411C>T, p.Phe1137= (NM_001348503.2, NM_001348498.2); c.2763C>T, p.Phe921= (NM_001348504.2); c.3069C>T, p.Phe1023= (NM_001348505.2); c.2862C>T, p.Phe954= (NM_001348506.2); c.2910C>T, p.Phe970= (NM_001348507.2); c.2895C>T, p.Phe965= (NM_001348508.2); and 23 more.
Identifiers: ClinVar variation 2658739 (VCV002658739.24), dbSNP rs770750847, ClinGen allele CA4837724.

ClinVar aggregate classification (germline): Likely benign (1 of 4 stars; one submission).

Allele frequency attached by ClinVar (database versions not stated): gnomAD 0.00002; gnomAD exomes 0.00003; TOPMed 0.00006; ExAC 0.00008.
gnomAD v4.1: 55 of 1,595,536 alleles (0.0034%); highest among the groups gnomAD compares: Admixed American, 0.0083%; no homozygotes.

Submission:

CeGaT Center for Human Genetics Tuebingen
Classification: Likely benign. Last evaluated: 2023-07-01. Review status: criteria provided, single submitter. Criteria: CeGaT Center For Human Genetics Tuebingen Variant Classification Criteria Version 2. Collection method: clinical testing. Allele origin: germline. Affected: yes. Observed: 1 variant allele.
Comment: RIMS2: BP4, BP7